The following is an entry in ClinVar:

NM_001349253.2(SCN11A):c.3536T>A (p.Leu1179Gln)

Genes: SCN11A (sodium voltage-gated channel alpha subunit 11; minus strand), LOC126806652 (CDK7 strongly-dependent group 2 enhancer GRCh37_chr3:38912374-38913573; plus strand). Cytogenetic location: 3p22.2.
Variant type: single nucleotide variant.
Coding change: c.3536T>A on transcript NM_001349253.2 (MANE Select); coding-DNA position 3536, T replaced by A.
Protein change: p.Leu1179Gln; replaces leucine 1179 with glutamine.
Molecular consequence: missense variant.
Genome position (GRCh38, 1-based): chr3:38,871,668, A>T on the plus strand (T>A on the coding strand, the complement: SCN11A is on the minus strand). VCF-style: chr3-38871668-A-T. GRCh37 (hg19) VCF-style: chr3-38913159-A-T.
Other names: c.3536T>A, p.Leu1179Gln (NM_014139.3); short protein forms L1179Q.
Identifiers: ClinVar variation 843834 (VCV000843834.7), dbSNP rs2065128499, ClinGen allele CA352171152.

ClinVar aggregate classification (germline): Uncertain significance (1 of 4 stars; one submission).

Conditions:
Hereditary sensory and autonomic neuropathy type 7. Also called: Neuropathy, hereditary sensory and autonomic, type VII; HSAN VII. Identifiers: Orphanet 391397, MedGen C3809882, MONDO:0014244, OMIM 615548.
Familial episodic pain syndrome with predominantly lower limb involvement. Also called: Episodic pain syndrome, familial, 3. Identifiers: Orphanet 391384, Orphanet 391392, MedGen C3809899, MONDO:0014247, OMIM 615552.

Allele frequency attached by ClinVar (database versions not stated): gnomAD exomes below 0.00001.
gnomAD v4.1: 1 of 1,612,482 alleles (0.000062%); highest among the groups gnomAD compares: Non-Finnish European, 0.000085%; no homozygotes.

Submission:

Labcorp Genetics (formerly Invitae), Labcorp
Classification: Uncertain significance for Familial episodic pain syndrome with predominantly lower limb involvement; Hereditary sensory and autonomic neuropathy type 7. Last evaluated: 2019-03-22. Review status: criteria provided, single submitter. Criteria: Invitae Variant Classification Sherloc (09022015). Collection method: clinical testing. Allele origin: germline.
Comment: This variant has not been reported in the literature in individuals with SCN11A-related conditions. This variant is not present in population databases (ExAC no frequency). This sequence change replaces leucine with glutamine at codon 1179 of the SCN11A protein (p.Leu1179Gln). The leucine residue is highly conserved and there is a moderate physicochemical difference between leucine and glutamine. In summary, the available evidence is currently insufficient to determine the role of this variant in disease. Therefore, it has been classified as a Variant of Uncertain Significance. Algorithms developed to predict the effect of sequence changes on RNA splicing suggest that this variant may create or strengthen a splice site, but this prediction has not been confirmed by published transcriptional studies. Algorithms developed to predict the effect of missense changes on protein structure and function (SIFT, PolyPhen-2, Align-GVGD) all suggest that this variant is likely to be disruptive, but these predictions have not been confirmed by published functional studies and their clinical significance is uncertain.